The following is an entry in ClinVar:

NM_006231.4(POLE):c.5789C>T (p.Ser1930Leu)

Gene: POLE (DNA polymerase epsilon, catalytic subunit; minus strand). Cytogenetic location: 12q24.33.
Variant type: single nucleotide variant.
Coding change: c.5789C>T on transcript NM_006231.4 (MANE Select); coding-DNA position 5789, C replaced by T.
Protein change: p.Ser1930Leu; replaces serine 1930 with leucine.
Molecular consequence: missense variant.
Genome position (GRCh38, 1-based): chr12:132,635,914, G>A on the plus strand (C>T on the coding strand, the complement: POLE is on the minus strand). VCF-style: chr12-132635914-G-A. GRCh37 (hg19) VCF-style: chr12-133212500-G-A.
Other names: c.5789C>T (NM_006231.2); short protein forms S1930L.
Identifiers: ClinVar variation 965612 (VCV000965612.10), dbSNP rs2042022432, ClinGen allele CA387372772.
Genomic context (GRCh38, chr12:132,635,914, plus strand): 5'-CCAAAGCTGGCTCGGGTGCCACACTGCAGCTCGCTTACCAGTCCACAGTGAATACGAGAT[G>A]AAACTTTTCCTTTGATTCCGCCATAGTTAGATGGATCCATCCAGAGAAGAAATTCCCAGC-3'
Protein context (NP_006222.2, residues 1920-1940): SNYGGIKGKV[Ser1930Leu]SRIHCGLQDS

ClinVar aggregate classification (germline): Uncertain significance. Review status: criteria provided, multiple submitters, no conflicts (2 of 4 stars). 2 submissions from 2 submitters: Uncertain significance (2). Last evaluated 2025-10-23.

Conditions:
Hereditary cancer-predisposing syndrome. Also called: Hereditary neoplastic syndrome; Neoplastic Syndromes, Hereditary; Hereditary Cancer Syndrome; Tumor predisposition. Identifiers: Orphanet 140162, MedGen C0027672, MeSH D009386, MONDO:0015356.

Allele frequency attached by ClinVar (database versions not stated): gnomAD exomes 0.00001.
gnomAD v4.1: 7 of 1,613,728 alleles (0.00043%); highest among the groups gnomAD compares: Non-Finnish European, 0.00059%; no homozygotes.

Submissions (2):

Labcorp Genetics (formerly Invitae), Labcorp
Classification: Uncertain significance. Last evaluated: 2025-10-23. Review status: criteria provided, single submitter. Criteria: Invitae Variant Classification Sherloc (09022015). Collection method: clinical testing. Allele origin: germline.
Comment: This sequence change replaces serine, which is neutral and polar, with leucine, which is neutral and non-polar, at codon 1930 of the POLE protein (p.Ser1930Leu). This variant is not present in population databases (gnomAD no frequency). This variant has not been reported in the literature in individuals affected with POLE-related conditions. ClinVar contains an entry for this variant (Variation ID: 965612). Invitae Evidence Modeling of protein sequence and biophysical properties (such as structural, functional, and spatial information, amino acid conservation, physicochemical variation, residue mobility, and thermodynamic stability) indicates that this missense variant is not expected to disrupt POLE protein function with a negative predictive value of 80%. In summary, the available evidence is currently insufficient to determine the role of this variant in disease. Therefore, it has been classified as a Variant of Uncertain Significance.

Ambry Genetics
Classification: Uncertain significance for Hereditary cancer-predisposing syndrome. Last evaluated: 2024-05-07. Review status: criteria provided, single submitter. Criteria: Ambry Variant Classification Scheme 2023. Collection method: clinical testing. Allele origin: germline.
Comment: The p.S1930L variant (also known as c.5789C>T), located in coding exon 42 of the POLE gene, results from a C to T substitution at nucleotide position 5789. The serine at codon 1930 is replaced by leucine, an amino acid with dissimilar properties. This amino acid position is conserved. In addition, this alteration is predicted to be tolerated by in silico analysis. Based on the available evidence, the clinical significance of this variant remains unclear.